The following is an entry in ClinVar:

ClinVar aggregate classification (germline): Uncertain significance (1 of 4 stars; one submission).

Conditions:
Primary ciliary dyskinesia. Also called: Ciliary dyskinesia. Identifiers: Orphanet 244, MedGen C0008780, MONDO:0016575, HP:0012265.

Allele frequency attached by ClinVar (database versions not stated): gnomAD exomes below 0.00001; ExAC 0.00001; gnomAD 0.00001.
gnomAD v4.1: 7 of 1,566,234 alleles (0.00045%); highest among the groups gnomAD compares: Non-Finnish European, 0.00034%; no homozygotes.

Submission:

Labcorp Genetics (formerly Invitae), Labcorp
Classification: Uncertain significance for Primary ciliary dyskinesia. Last evaluated: 2022-07-01. Review status: criteria provided, single submitter. Criteria: Invitae Variant Classification Sherloc (09022015). Collection method: clinical testing. Allele origin: germline.
Comment: In summary, the available evidence is currently insufficient to determine the role of this variant in disease. Therefore, it has been classified as a Variant of Uncertain Significance. Algorithms developed to predict the effect of missense changes on protein structure and function are either unavailable or do not agree on the potential impact of this missense change (SIFT: "Deleterious"; PolyPhen-2: "Not Available"; Align-GVGD: "Class C0"). This variant has not been reported in the literature in individuals affected with DNAH8-related conditions. This variant is present in population databases (rs751829816, gnomAD 0.001%). This sequence change replaces serine, which is neutral and polar, with leucine, which is neutral and non-polar, at codon 264 of the DNAH8 protein (p.Ser264Leu).

NM_001206927.2(DNAH8):c.791C>T (p.Ser264Leu)

Gene: DNAH8 (dynein axonemal heavy chain 8; plus strand). Cytogenetic location: 6p21.2.
Variant type: single nucleotide variant.
Coding change: c.791C>T on transcript NM_001206927.2 (MANE Select); coding-DNA position 791, C replaced by T.
Protein change: p.Ser264Leu; replaces serine 264 with leucine.
Molecular consequence: missense variant.
Genome position (GRCh38, 1-based): chr6:38,737,095, C>T. VCF-style: chr6-38737095-C-T. GRCh37 (hg19) VCF-style: chr6-38704871-C-T.
Other names: c.140C>T, p.Ser47Leu (NM_001371.4); short protein forms S264L, S47L.
Identifiers: ClinVar variation 2080422 (VCV002080422.2), dbSNP rs751829816, ClinGen allele CA3788052.